The following is an entry in ClinVar:

ClinVar aggregate classification (germline): Uncertain significance. Review status: criteria provided, multiple submitters, no conflicts (2 of 4 stars). 2 submissions from 2 submitters: Uncertain significance (2). Last evaluated 2025-05-19.

Conditions:
Congenital generalized lipodystrophy type 3 (CGL3). Also called: BERARDINELLI-SEIP CONGENITAL LIPODYSTROPHY, TYPE 3. Identifiers: Orphanet 528, Orphanet 696206, MedGen C2675861, MONDO:0012923, OMIM 612526.
Partial lipodystrophy, congenital cataracts, and neurodegeneration syndrome (FPLD7). Identifiers: MedGen C3807567, MONDO:0011714, OMIM 606721.
Pulmonary hypertension, primary, 3. Identifiers: Orphanet 422, MedGen C3809192, MONDO:0014135, OMIM 615343.

gnomAD v4.1: 13 of 1,613,708 alleles (0.00081%); highest among the groups gnomAD compares: East Asian, 0.011%; no homozygotes.

Submissions (2):

Dasa
Classification: Uncertain significance. Last evaluated: 2025-05-19. Review status: criteria provided, single submitter. Criteria: DASA Assertion Criteria. Collection method: clinical testing. Allele origin: germline.
Comment: NM_001753.5(CAV1):c.247G>A (p.Gly83Ser) is a missense variant that results in the substitution of glycine with serine. This variant is rare in population databases. Computational prediction algorithms are consistent with a deleterious effect. The currently available literature and clinical evidence are not sufficient to establish a definitive association between this variant and the reported condition. Therefore, this variant is classified as a variant of uncertain significance.

Fulgent Genetics
Classification: Uncertain significance for Partial lipodystrophy, congenital cataracts, and neurodegeneration syndrome; Congenital generalized lipodystrophy type 3; Pulmonary hypertension, primary, 3. Last evaluated: 2023-12-26. Review status: criteria provided, single submitter. Criteria: ACMG Guidelines, 2015. Collection method: clinical testing. Allele origin: germline.

NM_001753.5(CAV1):c.247G>A (p.Gly83Ser)

Gene: CAV1 (caveolin 1; plus strand). Cytogenetic location: 7q31.2.
Variant type: single nucleotide variant.
Coding change: c.247G>A on transcript NM_001753.5 (MANE Select); coding-DNA position 247, G replaced by A.
Protein change: p.Gly83Ser; replaces glycine 83 with serine.
Molecular consequence: missense variant.
Genome position (GRCh38, 1-based): chr7:116,558,997, G>A. VCF-style: chr7-116558997-G-A. GRCh37 (hg19) VCF-style: chr7-116199051-G-A.
Other names: c.154G>A, p.Gly52Ser (NM_001172895.1, NM_001172896.2, NM_001172897.2); short protein forms G52S, G83S.
Identifiers: ClinVar variation 3594252 (VCV003594252.3).